The following is an entry in ClinVar:

NC_000021.9:g.(?_43053340)_(43076866_?)dup

Gene: CBS (cystathionine beta-synthase; minus strand). Cytogenetic location: 21q22.3.
Variant type: Duplication.
Identifiers: ClinVar variation 832690 (VCV000832690.1).

ClinVar aggregate classification (germline): Uncertain significance (1 of 4 stars; one submission).

Conditions:
Classic homocystinuria. Also called: Homocystinuria due to CBS deficiency; Cystathionine beta-synthase deficiency; CBS deficiency; Homocystinuria due to Cystathionine Beta-Synthase Deficiency; HOMOCYSTINURIA WITH OR WITHOUT RESPONSE TO PYRIDOXINE. Identifiers: Orphanet 394, MedGen C0751202, MONDO:0009352, OMIM 236200.

Submission:

Labcorp Genetics (formerly Invitae), Labcorp
Classification: Uncertain significance for HYPERHOMOCYSTEINEMIA, THROMBOTIC, CBS-RELATED. Last evaluated: 2019-12-23. Review status: criteria provided, single submitter. Criteria: Invitae Variant Classification Sherloc (09022015). Collection method: clinical testing. Allele origin: germline.
Comment: A gross duplication of the genomic region encompassing the full coding sequence of the CBS gene has been identified. The boundaries of this event are unknown as the duplication extends beyond the assayed region for this gene and therefore may encompass additional genes. As the precise location of this duplication is unknown, it may be in tandem or it may be located elsewhere in the genome. This variant has not been reported in the literature in individuals with CBS-related disease. In summary, the available evidence is currently insufficient to determine the role of this variant in disease. Therefore, it has been classified as a Variant of Uncertain Significance.